The following is an entry in ClinVar:

ClinVar aggregate classification (germline): Pathogenic (1 of 4 stars; one submission).

Conditions:
Atrioventricular septal defect 4 (AVSD4). Identifiers: MedGen C3280781, MONDO:0013747, OMIM 614430.

Submission:

Labcorp Genetics (formerly Invitae), Labcorp
Classification: Pathogenic for Atrioventricular septal defect 4. Last evaluated: 2023-08-25. Review status: criteria provided, single submitter. Criteria: Invitae Variant Classification Sherloc (09022015). Collection method: clinical testing. Allele origin: germline.
Comment: For these reasons, this variant has been classified as Pathogenic. Advanced modeling of protein sequence and biophysical properties (such as structural, functional, and spatial information, amino acid conservation, physicochemical variation, residue mobility, and thermodynamic stability) performed at Invitae indicates that this missense variant is expected to disrupt GATA4 protein function. This missense change has been observed in individual(s) with structural heart defect(s) (Invitae). In at least one individual the variant was observed to be de novo. This variant is not present in population databases (gnomAD no frequency). This sequence change replaces cysteine, which is neutral and slightly polar, with serine, which is neutral and polar, at codon 295 of the GATA4 protein (p.Cys295Ser).

NM_001308093.3(GATA4):c.887G>C (p.Cys296Ser)

Gene: GATA4 (GATA binding protein 4). Cytogenetic location: 8p23.1.
Variant type: single nucleotide variant.
Coding change: c.887G>C on transcript NM_001308093.3 (MANE Select); coding-DNA position 887, G replaced by C.
Protein change: p.Cys296Ser; replaces cysteine 296 with serine.
Molecular consequence: missense variant. On other transcripts: intron variant (1).
Genome position (GRCh38, 1-based): chr8:11,750,211, G>C. VCF-style: chr8-11750211-G-C. GRCh37 (hg19) VCF-style: chr8-11607720-G-C.
Other names: c.266G>C, p.Cys89Ser (NM_001308094.2, NM_001374273.1); c.884G>C, p.Cys295Ser (NM_002052.5); c.165+1126G>C (NM_001374274.1); short protein forms C296S, C89S, C295S.
Identifiers: ClinVar variation 2820525 (VCV002820525.3), dbSNP rs2486975023, ClinGen allele CA370313109.